The following is an entry in ClinVar:

NM_006767.4(LZTR1):c.2359G>T (p.Asp787Tyr)

Gene: LZTR1 (leucine zipper like post translational regulator 1; plus strand). Cytogenetic location: 22q11.21.
Variant type: single nucleotide variant.
Coding change: c.2359G>T on transcript NM_006767.4 (MANE Select); coding-DNA position 2359, G replaced by T.
Protein change: p.Asp787Tyr; replaces aspartic acid 787 with tyrosine.
Molecular consequence: missense variant.
Genome position (GRCh38, 1-based): chr22:20,996,919, G>T. VCF-style: chr22-20996919-G-T. GRCh37 (hg19) VCF-style: chr22-21351208-G-T.
Other names: short protein forms D787Y.
Identifiers: ClinVar variation 1216371 (VCV001216371.4), dbSNP rs2147970548, ClinGen allele CA410781038.

ClinVar aggregate classification (germline): Uncertain significance. Review status: criteria provided, multiple submitters, no conflicts (2 of 4 stars). 2 submissions from 2 submitters: Uncertain significance (2). Last evaluated 2024-07-11.

Conditions:
Hereditary cancer-predisposing syndrome. Also called: Neoplastic Syndromes, Hereditary; Tumor predisposition; Hereditary neoplastic syndrome; Hereditary Cancer Syndrome. Identifiers: Orphanet 140162, MedGen C0027672, MeSH D009386, MONDO:0015356.
Cardiovascular phenotype. Identifiers: MedGen CN230736.

Submissions (2):

Ambry Genetics
Classification: Uncertain significance for Cardiovascular phenotype; Hereditary cancer-predisposing syndrome. Last evaluated: 2024-07-11. Review status: criteria provided, single submitter. Criteria: Ambry Variant Classification Scheme 2023. Collection method: clinical testing. Allele origin: germline.
Comment: The p.D787Y variant (also known as c.2359G>T), located in coding exon 20 of the LZTR1 gene, results from a G to T substitution at nucleotide position 2359. The aspartic acid at codon 787 is replaced by tyrosine, an amino acid with highly dissimilar properties. This amino acid position is conserved. In addition, this alteration is predicted to be deleterious by in silico analysis. Based on the available evidence, the clinical significance of this variant remains unclear.

GeneDx
Classification: Uncertain significance. Last evaluated: 2020-10-22. Review status: criteria provided, single submitter. Criteria: GeneDx Variant Classification Process June 2021. Collection method: clinical testing. Allele origin: germline. Affected: yes.
Comment: Not observed in large population cohorts (Lek et al., 2016); In silico analysis, which includes protein predictors and evolutionary conservation, supports a deleterious effect; Has not been previously published as pathogenic or benign to our knowledge